The following is an entry in ClinVar:

ClinVar aggregate classification (germline): Uncertain significance (1 of 4 stars; one submission).

Allele frequency attached by ClinVar (database versions not stated): gnomAD 0.00001; ExAC 0.00002; gnomAD exomes 0.00002.
gnomAD v4.1: 28 of 1,613,808 alleles (0.0017%); highest among the groups gnomAD compares: South Asian, 0.031%; no homozygotes.

Submission:

Labcorp Genetics (formerly Invitae), Labcorp
Classification: Uncertain significance. Last evaluated: 2022-09-01. Review status: criteria provided, single submitter. Criteria: Invitae Variant Classification Sherloc (09022015). Collection method: clinical testing. Allele origin: germline.
Comment: This sequence change replaces alanine, which is neutral and non-polar, with glycine, which is neutral and non-polar, at codon 351 of the SLC26A4 protein (p.Ala351Gly). This variant is present in population databases (rs764088949, gnomAD 0.02%). This variant has not been reported in the literature in individuals affected with SLC26A4-related conditions. Advanced modeling of protein sequence and biophysical properties (such as structural, functional, and spatial information, amino acid conservation, physicochemical variation, residue mobility, and thermodynamic stability) performed at Invitae indicates that this missense variant is not expected to disrupt SLC26A4 protein function. In summary, the available evidence is currently insufficient to determine the role of this variant in disease. Therefore, it has been classified as a Variant of Uncertain Significance.

NM_000441.2(SLC26A4):c.1052C>G (p.Ala351Gly)

Gene: SLC26A4 (solute carrier family 26 member 4; plus strand). Cytogenetic location: 7q22.3.
Variant type: single nucleotide variant.
Coding change: c.1052C>G on transcript NM_000441.2 (MANE Select); coding-DNA position 1052, C replaced by G.
Protein change: p.Ala351Gly; replaces alanine 351 with glycine.
Molecular consequence: missense variant.
Genome position (GRCh38, 1-based): chr7:107,689,103, C>G. VCF-style: chr7-107689103-C-G. GRCh37 (hg19) VCF-style: chr7-107329548-C-G.
Other names: short protein forms A351G.
Identifiers: ClinVar variation 2104163 (VCV002104163.1), dbSNP rs764088949, ClinGen allele CA4432668.